The following is an entry in ClinVar:

NM_017780.4(CHD7):c.5051-4C>T

Gene: CHD7 (chromodomain helicase DNA binding protein 7; plus strand). Cytogenetic location: 8q12.2.
Variant type: single nucleotide variant.
Coding change: c.5051-4C>T on transcript NM_017780.4 (MANE Select); 4 bases into the intron before coding-DNA position 5051, C replaced by T.
Molecular consequence: intron variant.
Genome position (GRCh38, 1-based): chr8:60,845,246, C>T. VCF-style: chr8-60845246-C-T. GRCh37 (hg19) VCF-style: chr8-61757805-C-T.
Other names: p.?; c.1717-16983C>T (NM_001316690.1).
Identifiers: ClinVar variation 95792 (VCV000095792.75), dbSNP rs71640288, ClinGen allele CA248682.

ClinVar aggregate classification (germline): Benign/Likely benign. Review status: criteria provided, multiple submitters, no conflicts (2 of 4 stars). 18 submissions from 18 submitters: Benign (14); Likely benign (1). 3 of the submissions do not count toward it. Last evaluated 2026-10-01.

Conditions:
Inborn genetic diseases. Identifiers: MedGen C0950123, MeSH D030342.
Hypogonadotropic hypogonadism 5 with or without anosmia (KAL5). Also called: CHD7-Related GnRH Deficiency (Kallmann Syndrome 5); HYPOGONADOTROPIC HYPOGONADISM 5 WITH ANOSMIA; HYPOGONADOTROPHIC HYPOGONADISM 5 WITHOUT ANOSMIA. Identifiers: Orphanet 478, MedGen C3552553, MONDO:0012880, OMIM 612370. Disease mechanism: loss of function.
CHARGE syndrome (CHARGE). Also called: CHARGE ASSOCIATION--COLOBOMA, HEART ANOMALY, CHOANAL ATRESIA, RETARDATION, GENITAL AND EAR ANOMALIES; Hittner Hirsch Kreh syndrome; Coloboma, heart anomaly, choanal atresia, retardation, genital and ear anomalies; CHARGE association; Hall-Hittner syndrome. Identifiers: Orphanet 138, MedGen C0265354, MONDO:0008965.

Allele frequency attached by ClinVar (database versions not stated): gnomAD exomes 0.00576; gnomAD 0.00577 and 0.00593; 1000 Genomes Project 0.00339; 1000 Genomes Project 30x 0.00344; ExAC 0.00556; TOPMed 0.00620; ESP Exome Variant Server 0.00794.
gnomAD v4.1: 14,304 of 1,606,486 alleles (0.89%); highest among the groups gnomAD compares: Non-Finnish European, 1.1%; 87 homozygotes.

Submissions (18):

CeGaT Center for Human Genetics Tuebingen
Classification: Benign. Last evaluated: 2026-10-01. Review status: criteria provided, single submitter. Criteria: CeGaT Center For Human Genetics Tuebingen Variant Classification Criteria Version 2. Collection method: clinical testing. Allele origin: germline. Affected: yes. Observed: 93 variant alleles.
Comment: CHD7: BP4, BS1, BS2

Labcorp Genetics (formerly Invitae), Labcorp
Classification: Benign for CHARGE syndrome. Last evaluated: 2026-01-27. Review status: criteria provided, single submitter. Criteria: Invitae Variant Classification Sherloc (09022015). Collection method: clinical testing. Allele origin: germline.

Mayo Clinic Laboratories, Mayo Clinic
Classification: Benign. Last evaluated: 2025-08-19. Review status: criteria provided, single submitter. Criteria: ACMG Guidelines, 2015. Collection method: clinical testing. Allele origin: germline. Observed: 8 variant alleles.
Comment: BS1, BS2, BP4, BP7

Blueprint Genetics
Classification: Likely benign. Last evaluated: 2024-11-27. Review status: criteria provided, single submitter. Criteria: ACMG Guidelines, 2015. Collection method: clinical testing. Allele origin: germline.

Fulgent Genetics
Classification: Benign for CHD7-related CHARGE syndrome; Hypogonadotropic hypogonadism 5 with or without anosmia. Last evaluated: 2021-07-08. Review status: criteria provided, single submitter. Criteria: ACMG Guidelines, 2015. Collection method: clinical testing. Allele origin: unknown.

ARUP Laboratories, Molecular Genetics and Genomics, ARUP Laboratories
Classification: Benign. Last evaluated: 2019-05-22. Review status: criteria provided, single submitter. Criteria: ARUP Molecular Germline Variant Investigation Process. Collection method: clinical testing. Allele origin: germline.

Illumina Laboratory Services, Illumina
Classification: Benign for Kallmann Syndrome 5. Last evaluated: 2018-01-13. Review status: criteria provided, single submitter. Criteria: ICSL Variant Classification Criteria 13 December 2019. Collection method: clinical testing. Allele origin: germline.
Comment: This variant was observed in the ICSL laboratory as part of a predisposition screen in an ostensibly healthy population. It had not been previously curated by ICSL or reported in the Human Gene Mutation Database (HGMD: prior to June 1st, 2018), and was therefore a candidate for classification through an automated scoring system. Utilizing variant allele frequency, disease prevalence and penetrance estimates, and inheritance mode, an automated score was calculated to assess if this variant is too frequent to cause the disease. Based on the score and internal cut-off values, a variant classified as benign is not then subjected to further curation. The score for this variant resulted in a classification of benign for this disease.

Laboratory for Molecular Medicine, Mass General Brigham Personalized Medicine
Classification: Benign. Last evaluated: 2017-08-23. Review status: criteria provided, single submitter. Criteria: LMM Criteria. Collection method: clinical testing. Allele origin: germline. Observed: 2 variant alleles.
Comment: c.5051-4C>T in intron 22 of CHD7: This variant is not expected to have clinical significance because it does not alter an amino acid residue, is not located wit hin the splice consensus sequence, and has been identified in 0.80% (523/65760) of European chromosomes by the Exome Aggregation Consortium (ExAC; dbSNP rs71640288).

Genetic Services Laboratory, University of Chicago
Classification: Benign. Last evaluated: 2017-02-01. Review status: criteria provided, single submitter. Criteria: ACMG Guidelines, 2015. Collection method: clinical testing. Allele origin: germline. Affected: no.

Ambry Genetics
Classification: Benign for Inborn genetic diseases. Last evaluated: 2016-05-16. Review status: criteria provided, single submitter. Criteria: Ambry Variant Classification Scheme 2023. Collection method: clinical testing. Allele origin: germline.

Genomic Diagnostic Laboratory, Division of Genomic Diagnostics, Children's Hospital of Philadelphia
Classification: Benign. Last evaluated: 2015-05-11. Review status: criteria provided, single submitter. Criteria: DGD Variant Analysis Guidelines. Collection method: clinical testing. Allele origin: unknown.

GeneDx
Classification: Benign. Last evaluated: 2015-03-03. Review status: criteria provided, single submitter. Criteria: GeneDx Variant Classification Process June 2021. Collection method: clinical testing. Allele origin: germline. Affected: yes.
Comment: This variant is associated with the following publications: (PMID: 29419413)

Eurofins Ntd Llc (ga)
Classification: Benign. Last evaluated: 2013-08-27. Review status: criteria provided, single submitter. Criteria: EGL Classification Definitions 2015. Collection method: clinical testing. Allele origin: germline. Observed: 4 variant alleles, 4 heterozygotes.

Breakthrough Genomics
Classification: Benign. Review status: criteria provided, single submitter. Criteria: ACMG Guidelines, 2015. Collection method: not provided. Allele origin: germline. Inheritance: Autosomal dominant inheritance. Affected: yes.

PreventionGenetics, part of Exact Sciences
Classification: Benign. Review status: criteria provided, single submitter. Criteria: ACMG Guidelines, 2015. Collection method: clinical testing. Allele origin: germline.

Clinical Genetics, Academic Medical Center
Classification: Benign. Review status: no assertion criteria provided. Collection method: clinical testing. Allele origin: germline. Affected: yes. Study: VKGL Data-share Consensus. Not counted in ClinVar's aggregate classification.

Joint Genome Diagnostic Labs from Nijmegen and Maastricht, Radboudumc and MUMC+
Classification: Benign. Review status: no assertion criteria provided. Collection method: clinical testing. Allele origin: germline. Affected: yes. Study: VKGL Data-share Consensus. Not counted in ClinVar's aggregate classification.

Laboratory of Diagnostic Genome Analysis, Leiden University Medical Center (LUMC)
Classification: Likely benign. Review status: no assertion criteria provided. Collection method: clinical testing. Allele origin: germline. Affected: yes. Study: VKGL Data-share Consensus. Not counted in ClinVar's aggregate classification.

Literature cited by the submitters: PubMed 29419413 (cited by Mayo Clinic Laboratories, Mayo Clinic).